The following is an entry in ClinVar:

ClinVar aggregate classification (germline): Likely benign (1 of 4 stars; one submission).

Submission:

CeGaT Center for Human Genetics Tuebingen
Classification: Likely benign. Last evaluated: 2023-10-01. Review status: criteria provided, single submitter. Criteria: CeGaT Center For Human Genetics Tuebingen Variant Classification Criteria Version 2. Collection method: clinical testing. Allele origin: germline. Affected: yes. Observed: 1 variant allele.
Comment: SCN1A: PM2:Supporting, BP4, BP7

NM_001165963.4(SCN1A):c.633T>C (p.Asn211=)

Gene: SCN1A (sodium voltage-gated channel alpha subunit 1; minus strand). Cytogenetic location: 2q24.3.
Variant type: single nucleotide variant.
Coding change: c.633T>C on transcript NM_001165963.4 (MANE Select); coding-DNA position 633, T replaced by C.
Protein change: p.Asn211=; no amino-acid change (asparagine 211 retained).
Molecular consequence: synonymous variant. On other transcripts: 5 prime UTR variant (1), non-coding transcript variant (1).
Genome position (GRCh38, 1-based): chr2:166,052,913, A>G on the plus strand (T>C on the coding strand, the complement: SCN1A is on the minus strand). VCF-style: chr2-166052913-A-G. GRCh37 (hg19) VCF-style: chr2-166909423-A-G.
Other names: c.633T>C, p.Asn211= (NM_001165964.3, NM_001202435.3, NM_001353948.2 and 10 more transcripts); c.-1793T>C (NM_001353961.2).
Identifiers: ClinVar variation 2651503 (VCV002651503.24), dbSNP rs2468233625, ClinGen allele CA429903414.